The following is an entry in ClinVar:

ClinVar aggregate classification (germline): Uncertain significance. Review status: criteria provided, multiple submitters, no conflicts (2 of 4 stars). 2 submissions from 2 submitters: Uncertain significance (2). Last evaluated 2025-09-24.

Allele frequency attached by ClinVar (database versions not stated): gnomAD exomes 0.00005; ESP Exome Variant Server 0.00008; ExAC 0.00002; gnomAD 0.00003; TOPMed 0.00004.
gnomAD v4.1: 79 of 1,596,118 alleles (0.0049%); highest among the groups gnomAD compares: Non-Finnish European, 0.0066%; no homozygotes.

Submissions (2):

Labcorp Genetics (formerly Invitae), Labcorp
Classification: Uncertain significance. Last evaluated: 2025-09-24. Review status: criteria provided, single submitter. Criteria: Invitae Variant Classification Sherloc (09022015). Collection method: clinical testing. Allele origin: germline.
Comment: This sequence change replaces methionine, which is neutral and non-polar, with isoleucine, which is neutral and non-polar, at codon 277 of the MAP3K8 protein (p.Met277Ile). This variant is present in population databases (rs373977741, gnomAD 0.004%). This variant has not been reported in the literature in individuals affected with MAP3K8-related conditions. ClinVar contains an entry for this variant (Variation ID: 2896729). An algorithm developed to predict the effect of missense changes on protein structure and function (PolyPhen-2) suggests that this variant is likely to be tolerated. In summary, the available evidence is currently insufficient to determine the role of this variant in disease. Therefore, it has been classified as a Variant of Uncertain Significance.

Ambry Genetics
Classification: Uncertain significance. Last evaluated: 2025-02-09. Review status: criteria provided, single submitter. Criteria: Ambry Variant Classification Scheme 2023. Collection method: clinical testing. Allele origin: germline.

NM_005204.4(MAP3K8):c.831G>A (p.Met277Ile)

Gene: MAP3K8 (mitogen-activated protein kinase kinase kinase 8; plus strand). Cytogenetic location: 10p11.23.
Variant type: single nucleotide variant.
Coding change: c.831G>A on transcript NM_005204.4 (MANE Select); coding-DNA position 831, G replaced by A.
Protein change: p.Met277Ile; replaces methionine 277 with isoleucine.
Molecular consequence: missense variant.
Genome position (GRCh38, 1-based): chr10:30,451,702, G>A. VCF-style: chr10-30451702-G-A. GRCh37 (hg19) VCF-style: chr10-30740631-G-A.
Other names: c.831G>A, p.Met277Ile (NM_001320961.2, NM_001244134.1); c.831G>A (NM_005204.3); short protein forms M277I.
Identifiers: ClinVar variation 2896729 (VCV002896729.5), dbSNP rs373977741, ClinGen allele CA5459738.
Genomic context (GRCh38, chr10:30,451,702, plus strand): 5'-CAACATTGTTTTCATGTCCACAAAAGCTGTTTTGGTGGATTTTGGCCTAAGTGTTCAAAT[G>A]ACCGAAGATGTCTATTTTCCTAAGGACCTCCGAGGAACAGAGGTAATTATGTTCACATGA-3'
Protein context (NP_005195.2, residues 267-287): VLVDFGLSVQ[Met277Ile]TEDVYFPKDL